The following is an entry in ClinVar:

NM_002661.5(PLCG2):c.316C>G (p.Leu106Val)

Gene: PLCG2 (phospholipase C gamma 2; plus strand). Cytogenetic location: 16q23.3.
Variant type: single nucleotide variant.
Coding change: c.316C>G on transcript NM_002661.5 (MANE Select); coding-DNA position 316, C replaced by G.
Protein change: p.Leu106Val; replaces leucine 106 with valine.
Molecular consequence: missense variant.
Genome position (GRCh38, 1-based): chr16:81,854,566, C>G. VCF-style: chr16-81854566-C-G. GRCh37 (hg19) VCF-style: chr16-81888171-C-G.
Other names: c.316C>G, p.Leu106Val (NM_001425749.1, NM_001425750.1, NM_001425751.1); short protein forms L106V.
Identifiers: ClinVar variation 4991863 (VCV004991863.1).

ClinVar aggregate classification (germline): Uncertain significance (1 of 4 stars; one submission).

Conditions:
PLCG2-related disorder. Also called: PLCG2-related condition.

gnomAD v4.1: 3 of 1,613,968 alleles (0.00019%); highest among the groups gnomAD compares: Non-Finnish European, 0.00025%; no homozygotes.

Submission:

PreventionGenetics, part of Exact Sciences
Classification: Uncertain significance for PLCG2-related condition. Last evaluated: 2025-10-10. Review status: criteria provided, single submitter. Criteria: ACMG Guidelines, 2015. Collection method: clinical testing. Allele origin: germline.
Comment: The PLCG2 c.316C>G variant is predicted to result in the amino acid substitution p.Leu106Val. To our knowledge, this variant has not been reported in the literature or in a large population database (gnomAD), indicating this variant is rare. At this time, the clinical significance of this variant is uncertain due to the absence of conclusive functional and genetic evidence.